The following is an entry in ClinVar:

NM_147127.5(EVC2):c.565G>C (p.Val189Leu)

Gene: EVC2 (EvC ciliary complex subunit 2; minus strand). Cytogenetic location: 4p16.2.
Variant type: single nucleotide variant.
Coding change: c.565G>C on transcript NM_147127.5 (MANE Select); coding-DNA position 565, G replaced by C.
Protein change: p.Val189Leu; replaces valine 189 with leucine.
Molecular consequence: missense variant.
Genome position (GRCh38, 1-based): chr4:5,689,298, C>G on the plus strand (G>C on the coding strand, the complement: EVC2 is on the minus strand). VCF-style: chr4-5689298-C-G. GRCh37 (hg19) VCF-style: chr4-5691025-C-G.
Other names: c.565G>C (NM_147127.4); c.325G>C, p.Val109Leu (NM_001166136.2); short protein forms V109L, V189L.
Identifiers: ClinVar variation 3761408 (VCV003761408.3).
Genomic context (GRCh38, chr4:5,689,298, plus strand): 5'-TGCTGTCCAGCAAGAGCAGCTCCGAGAGGTTGGCTGACGAGGTTGTCTTGGTGTTGTTAA[C>G]AAGCAGCCATATGCGGGCTGTCTGTGCTTCACTCGACCCAGACACCTAGGGCAGAAGGAG-3'
Protein context (NP_667338.3, residues 179-199): EAQTARIWLL[Val189Leu]NNTKTTSSAN

ClinVar aggregate classification (germline): Uncertain significance. Review status: criteria provided, multiple submitters, no conflicts (2 of 4 stars). 2 submissions from 2 submitters: Uncertain significance (2). Last evaluated 2025-11-03.

Conditions:
Curry-Hall syndrome (WAD). Also called: WEYERS ACRODENTAL DYSOSTOSIS. Identifiers: Orphanet 952, MedGen C0457013, MONDO:0008673, OMIM 193530.
Ellis-van Creveld syndrome (EVC). Also called: EVC-Related Ellis-van Creveld Syndrome; EVC2-Related Ellis-van Creveld Syndrome; MESOECTODERMAL DYSPLASIA; Chondroectodermal dysplasia. Identifiers: Orphanet 289, MedGen C0013903, MONDO:0009162, OMIM 225500.
Inborn genetic diseases. Identifiers: MedGen C0950123, MeSH D030342.

gnomAD v4.1: 84 of 1,614,074 alleles (0.0052%); highest among the groups gnomAD compares: Non-Finnish European, 0.00076%; no homozygotes.

Submissions (2):

Labcorp Genetics (formerly Invitae), Labcorp
Classification: Uncertain significance for Curry-Hall syndrome; Ellis-van Creveld syndrome. Last evaluated: 2025-11-03. Review status: criteria provided, single submitter. Criteria: Invitae Variant Classification Sherloc (09022015). Collection method: clinical testing. Allele origin: germline.
Comment: This sequence change replaces valine, which is neutral and non-polar, with leucine, which is neutral and non-polar, at codon 189 of the EVC2 protein (p.Val189Leu). This variant is present in population databases (rs754798862, gnomAD 0.1%). This variant has not been reported in the literature in individuals affected with EVC2-related conditions. ClinVar contains an entry for this variant (Variation ID: 3761408). An algorithm developed to predict the effect of missense changes on protein structure and function (PolyPhen-2) suggests that this variant is likely to be disruptive. In summary, the available evidence is currently insufficient to determine the role of this variant in disease. Therefore, it has been classified as a Variant of Uncertain Significance.

Ambry Genetics
Classification: Uncertain significance for Inborn genetic diseases. Last evaluated: 2025-09-01. Review status: criteria provided, single submitter. Criteria: Ambry Variant Classification Scheme 2023. Collection method: clinical testing. Allele origin: germline.